The following is an entry in ClinVar:

ClinVar aggregate classification (germline): Likely benign (0 of 4 stars; one submission).

Conditions:
MACF1-related disorder. Also called: MACF1-related condition.

gnomAD v4.1: 1 of 1,614,024 alleles (0.000062%); highest among the groups gnomAD compares: South Asian, 0.0011%; no homozygotes.

Submission:

PreventionGenetics, part of Exact Sciences
Classification: Likely benign for MACF1-related condition. Last evaluated: 2024-06-05. Review status: no assertion criteria provided. Collection method: clinical testing. Allele origin: germline.
Comment: This variant is classified as likely benign based on ACMG/AMP sequence variant interpretation guidelines (Richards et al. 2015 PMID: 25741868, with internal and published modifications).

NM_001394062.1(MACF1):c.2043T>G (p.Val681=)

Gene: MACF1 (microtubule actin crosslinking factor 1; plus strand). Cytogenetic location: 1p34.3.
Variant type: single nucleotide variant.
Coding change: c.2043T>G on transcript NM_001394062.1 (MANE Select); coding-DNA position 2043, T replaced by G.
Protein change: p.Val681=; no amino-acid change (valine 681 retained).
Molecular consequence: synonymous variant.
Genome position (GRCh38, 1-based): chr1:39,293,508, T>G. VCF-style: chr1-39293508-T-G. GRCh37 (hg19) VCF-style: chr1-39759180-T-G.
Other names: c.2058T>G, p.Val686= (NM_012090.5).
Identifiers: ClinVar variation 3346031 (VCV003346031.1).